The following is an entry in ClinVar:

ClinVar aggregate classification (germline): Uncertain significance. Review status: criteria provided, multiple submitters, no conflicts (2 of 4 stars). 4 submissions from 4 submitters: Uncertain significance (4). Last evaluated 2026-01-11.

Conditions:
Familial temporal lobe epilepsy 7. Identifiers: Orphanet 101046, MedGen C4225327, MONDO:0014639, OMIM 616436.
Norman-Roberts syndrome (LIS2). Also called: Lissencephaly 2 (Norman-Roberts type). Identifiers: Orphanet 89844, MedGen C0796089, MONDO:0009760, OMIM 257320.
Epilepsy, familial temporal lobe, 1. Identifiers: Orphanet 101046, MedGen CN030884, MONDO:0700090, OMIM 600512.
Inborn genetic diseases. Identifiers: MedGen C0950123, MeSH D030342.

Allele frequency attached by ClinVar (database versions not stated): gnomAD exomes below 0.00001 and 0.00001; ExAC 0.00001; gnomAD 0.00010 and 0.00011; TOPMed 0.00015; 1000 Genomes Project 30x 0.00016; 1000 Genomes Project 0.00020.
gnomAD v4.1: 24 of 1,614,022 alleles (0.0015%); highest among the groups gnomAD compares: Admixed American, 0.033%; no homozygotes.

Submissions (4):

Labcorp Genetics (formerly Invitae), Labcorp
Classification: Uncertain significance for Familial temporal lobe epilepsy 7; Norman-Roberts syndrome. Last evaluated: 2026-01-11. Review status: criteria provided, single submitter. Criteria: Invitae Variant Classification Sherloc (09022015). Collection method: clinical testing. Allele origin: germline.
Comment: This sequence change replaces lysine, which is basic and polar, with glutamic acid, which is acidic and polar, at codon 1223 of the RELN protein (p.Lys1223Glu). This variant is present in population databases (rs200269227, gnomAD 0.006%). This variant has not been reported in the literature in individuals affected with RELN-related conditions. ClinVar contains an entry for this variant (Variation ID: 436529). Invitae Evidence Modeling of protein sequence and biophysical properties (such as structural, functional, and spatial information, amino acid conservation, physicochemical variation, residue mobility, and thermodynamic stability) indicates that this missense variant is not expected to disrupt RELN protein function with a negative predictive value of 80%. In summary, the available evidence is currently insufficient to determine the role of this variant in disease. Therefore, it has been classified as a Variant of Uncertain Significance.

Ambry Genetics
Classification: Uncertain significance for Inborn genetic diseases. Last evaluated: 2023-12-31. Review status: criteria provided, single submitter. Criteria: Ambry Variant Classification Scheme 2023. Collection method: clinical testing. Allele origin: germline.

Fulgent Genetics
Classification: Uncertain significance for Norman-Roberts syndrome; Epilepsy, familial temporal lobe, 1; Familial temporal lobe epilepsy 7. Last evaluated: 2021-08-31. Review status: criteria provided, single submitter. Criteria: ACMG Guidelines, 2015. Collection method: clinical testing. Allele origin: unknown.

Genetic Services Laboratory, University of Chicago
Classification: Uncertain significance. Last evaluated: 2016-04-28. Review status: criteria provided, single submitter. Criteria: ACMG Guidelines, 2015. Collection method: clinical testing. Allele origin: germline. Affected: no.

NM_005045.4(RELN):c.3667A>G (p.Lys1223Glu)

Gene: RELN (reelin; minus strand). Cytogenetic location: 7q22.1.
Variant type: single nucleotide variant.
Coding change: c.3667A>G on transcript NM_005045.4 (MANE Select); coding-DNA position 3667, A replaced by G.
Protein change: p.Lys1223Glu; replaces lysine 1223 with glutamic acid.
Molecular consequence: missense variant.
Genome position (GRCh38, 1-based): chr7:103,594,365, T>C on the plus strand (A>G on the coding strand, the complement: RELN is on the minus strand). VCF-style: chr7-103594365-T-C. GRCh37 (hg19) VCF-style: chr7-103234812-T-C.
Other names: c.3667A>G, p.Lys1223Glu (NM_173054.3); short protein forms K1223E.
Identifiers: ClinVar variation 436529 (VCV000436529.18), dbSNP rs200269227, ClinGen allele CA4421694.